The following is an entry in ClinVar:

NM_000426.4(LAMA2):c.3182del (p.Asn1061fs)

Gene: LAMA2 (laminin subunit alpha 2; plus strand). Cytogenetic location: 6q22.33.
Variant type: Deletion.
Coding change: c.3182del on transcript NM_000426.4 (MANE Select); coding-DNA position 3182, one base deleted (A; older notation c.3182delA).
Protein change: p.Asn1061fs; shifts the reading frame from asparagine 1061.
Molecular consequence: frameshift variant.
Genome position (GRCh38, 1-based): chr6:129,312,868, A deleted; the last of 2 consecutive A bases (chr6:129,312,867-129,312,868); deleting either gives the same sequence. VCF-style (leftmost placement, unchanged base first): chr6-129312866-TA-T. GRCh37 (hg19) VCF-style: chr6-129634011-TA-T.
Other names: c.3182del, p.Asn1061fs (NM_001079823.2); short protein forms N1061fs.
Identifiers: ClinVar variation 1452104 (VCV001452104.6), dbSNP rs1258407314, ClinGen allele CA570198161.

ClinVar aggregate classification (germline): Pathogenic (1 of 4 stars; one submission).

Conditions:
LAMA2-related muscular dystrophy (LAMA2-RD). Also called: Laminin alpha 2-related dystrophy. Identifiers: MedGen C5679788, MONDO:0100228.

Submission:

Labcorp Genetics (formerly Invitae), Labcorp
Classification: Pathogenic for LAMA2-related muscular dystrophy. Last evaluated: 2021-07-15. Review status: criteria provided, single submitter. Criteria: Invitae Variant Classification Sherloc (09022015). Collection method: clinical testing. Allele origin: germline.
Comment: This sequence change creates a premature translational stop signal (p.Asn1061Thrfs*14) in the LAMA2 gene. It is expected to result in an absent or disrupted protein product. Loss-of-function variants in LAMA2 are known to be pathogenic (PMID: 18700894). This variant is not present in population databases (ExAC no frequency). This variant has not been reported in the literature in individuals affected with LAMA2-related conditions. For these reasons, this variant has been classified as Pathogenic.

Literature cited by the submitters: PubMed 18700894.